The following is an entry in ClinVar:

ClinVar aggregate classification (germline): Uncertain significance. Review status: criteria provided, multiple submitters, no conflicts (2 of 4 stars). 2 submissions from 2 submitters: Uncertain significance (2). Last evaluated 2024-12-23.

Allele frequency attached by ClinVar (database versions not stated): ExAC 0.00007.
gnomAD v4.1: 40 of 1,614,100 alleles (0.0025%); highest among the groups gnomAD compares: Admixed American, 0.05%; no homozygotes.

Submissions (2):

Ambry Genetics
Classification: Uncertain significance. Last evaluated: 2024-12-23. Review status: criteria provided, single submitter. Criteria: Ambry Variant Classification Scheme 2023. Collection method: clinical testing. Allele origin: germline.

Labcorp Genetics (formerly Invitae), Labcorp
Classification: Uncertain significance. Last evaluated: 2024-01-22. Review status: criteria provided, single submitter. Criteria: Invitae Variant Classification Sherloc (09022015). Collection method: clinical testing. Allele origin: germline.
Comment: This sequence change replaces isoleucine, which is neutral and non-polar, with threonine, which is neutral and polar, at codon 575 of the AHR protein (p.Ile575Thr). This variant is present in population databases (rs773628794, gnomAD 0.08%). This variant has not been reported in the literature in individuals affected with AHR-related conditions. ClinVar contains an entry for this variant (Variation ID: 863561). An algorithm developed to predict the effect of missense changes on protein structure and function (PolyPhen-2) suggests that this variant is likely to be disruptive. In summary, the available evidence is currently insufficient to determine the role of this variant in disease. Therefore, it has been classified as a Variant of Uncertain Significance.

NM_001621.5(AHR):c.1724T>C (p.Ile575Thr)

Gene: AHR (aryl hydrocarbon receptor; plus strand). Cytogenetic location: 7p21.1.
Variant type: single nucleotide variant.
Coding change: c.1724T>C on transcript NM_001621.5 (MANE Select); coding-DNA position 1724, T replaced by C.
Protein change: p.Ile575Thr; replaces isoleucine 575 with threonine.
Molecular consequence: missense variant.
Genome position (GRCh38, 1-based): chr7:17,339,549, T>C. VCF-style: chr7-17339549-T-C. GRCh37 (hg19) VCF-style: chr7-17379173-T-C.
Other names: short protein forms I575T.
Identifiers: ClinVar variation 863561 (VCV000863561.7), dbSNP rs773628794, ClinGen allele CA4172171.